The following is an entry in ClinVar:

NM_016642.4(SPTBN5):c.9384C>T (p.Ala3128=)

Gene: SPTBN5 (spectrin beta, non-erythrocytic 5; minus strand). Cytogenetic location: 15q15.1.
Variant type: single nucleotide variant.
Coding change: c.9384C>T on transcript NM_016642.4 (MANE Select); coding-DNA position 9384, C replaced by T.
Protein change: p.Ala3128=; no amino-acid change (alanine 3128 retained).
Molecular consequence: synonymous variant.
Genome position (GRCh38, 1-based): chr15:41,855,263, G>A on the plus strand (C>T on the coding strand, the complement: SPTBN5 is on the minus strand). VCF-style: chr15-41855263-G-A. GRCh37 (hg19) VCF-style: chr15-42147461-G-A.
Identifiers: ClinVar variation 3057282 (VCV003057282.2), dbSNP rs372039860, ClinGen allele CA7501460.

ClinVar aggregate classification (germline): Likely benign (0 of 4 stars; one submission).

Conditions:
SPTBN5-related disorder. Also called: SPTBN5-related condition.

Allele frequency attached by ClinVar (database versions not stated): gnomAD 0.00008; TOPMed 0.00008; ExAC 0.00011; ESP Exome Variant Server 0.00016.
gnomAD v4.1: 272 of 1,612,306 alleles (0.017%); highest among the groups gnomAD compares: Non-Finnish European, 0.022%; no homozygotes.

Submission:

PreventionGenetics, part of Exact Sciences
Classification: Likely benign for SPTBN5-related condition. Last evaluated: 2019-03-15. Review status: no assertion criteria provided. Collection method: clinical testing. Allele origin: germline.
Comment: This variant is classified as likely benign based on ACMG/AMP sequence variant interpretation guidelines (Richards et al. 2015 PMID: 25741868, with internal and published modifications).